The following is an entry in ClinVar:

ClinVar aggregate classification (germline): Pathogenic/Likely pathogenic. Review status: criteria provided, multiple submitters, no conflicts (2 of 4 stars). 5 submissions from 5 submitters: Pathogenic (3); Likely pathogenic (1). 1 of the submissions does not count toward it. Last evaluated 2026-01-28.

Conditions:
TYR-related disorder. Also called: TYR-related condition.
Oculocutaneous albinism. Identifiers: Orphanet 55, MedGen C0078918, MONDO:0018910.

gnomAD v4.1: 2 of 1,613,980 alleles (0.00012%); highest among the groups gnomAD compares: East Asian, 0.0022%; no homozygotes.

Submissions (5):

Labcorp Genetics (formerly Invitae), Labcorp
Classification: Pathogenic. Last evaluated: 2026-01-28. Review status: criteria provided, single submitter. Criteria: Invitae Variant Classification Sherloc (09022015). Collection method: clinical testing. Allele origin: germline.
Comment: This sequence change replaces tryptophan, which is neutral and slightly polar, with cysteine, which is neutral and slightly polar, at codon 272 of the TYR protein (p.Trp272Cys). This variant is not present in population databases (gnomAD no frequency). This missense change has been observed in individuals with oculocutaneous albinism (PMID: 10987646, 15606524). It has also been observed to segregate with disease in related individuals. ClinVar contains an entry for this variant (Variation ID: 99581). Invitae Evidence Modeling of protein sequence and biophysical properties (such as structural, functional, and spatial information, amino acid conservation, physicochemical variation, residue mobility, and thermodynamic stability) indicates that this missense variant is expected to disrupt TYR protein function with a positive predictive value of 95%. For these reasons, this variant has been classified as Pathogenic.

Women's Health and Genetics/Laboratory Corporation of America, LabCorp
Classification: Pathogenic for Oculocutaneous albinism. Last evaluated: 2025-04-22. Review status: criteria provided, single submitter. Criteria: LabCorp Variant Classification Summary - May 2015. Collection method: clinical testing. Allele origin: germline.
Comment: Variant summary: TYR c.816G>C (p.Trp272Cys) results in a non-conservative amino acid change in the encoded protein sequence. Five of five in-silico tools predict a damaging effect of the variant on protein function. The variant was absent in 249418 control chromosomes. c.816G>C has been observed in multiple individuals affected with Oculocutaneous Albinism (examples: Gao_2017, Hattab_2005, Lasseaux_2018). These data indicate that the variant is very likely to be associated with disease. The following publications have been ascertained in the context of this evaluation (PMID: 28451379, 16301152, 29345414). ClinVar contains an entry for this variant (Variation ID: 99581). Based on the evidence outlined above, the variant was classified as pathogenic.

Institute of Medical Genetics and Applied Genomics, University Hospital Tübingen
Classification: Likely pathogenic for Oculocutaneous albinism. Last evaluated: 2024-09-04. Review status: criteria provided, single submitter. Criteria: ACMG Guidelines, 2015. Collection method: clinical testing. Allele origin: germline. Inheritance: Autosomal recessive inheritance. Affected: yes.

Blueprint Genetics
Classification: Pathogenic for TYR-related disorders. Last evaluated: 2020-02-26. Review status: criteria provided, single submitter. Criteria: ACMG Guidelines, 2015. Collection method: clinical testing. Allele origin: germline. Affected: yes. Observed: 2 variant alleles.

Retina International
No classification provided. Review status: no classification provided. Collection method: not provided. Allele origin: not provided. Not counted in ClinVar's aggregate classification.

Literature cited by the submitters: PubMed 10987646 (cited by Labcorp Genetics (formerly Invitae), Labcorp); PubMed 15606524 (cited by Labcorp Genetics (formerly Invitae), Labcorp); PubMed 29345414 (cited by Women's Health and Genetics/Laboratory Corporation of America, LabCorp); PubMed 28451379 (cited by Women's Health and Genetics/Laboratory Corporation of America, LabCorp); PubMed 16301152 (cited by Women's Health and Genetics/Laboratory Corporation of America, LabCorp).

NM_000372.5(TYR):c.816G>C (p.Trp272Cys)

Gene: TYR (tyrosinase; plus strand). Cytogenetic location: 11q14.3.
Variant type: single nucleotide variant.
Coding change: c.816G>C on transcript NM_000372.5 (MANE Select); coding-DNA position 816, G replaced by C.
Protein change: p.Trp272Cys; replaces tryptophan 272 with cysteine.
Molecular consequence: missense variant.
Genome position (GRCh38, 1-based): chr11:89,178,769, G>C. VCF-style: chr11-89178769-G-C. GRCh37 (hg19) VCF-style: chr11-88911937-G-C.
Other names: short protein forms W272C.
Identifiers: ClinVar variation 99581 (VCV000099581.8), dbSNP rs62645902, ClinGen allele CA227589.